The following is an entry in ClinVar:

ClinVar aggregate classification (germline): Likely benign. Review status: criteria provided, multiple submitters, no conflicts (2 of 4 stars). 2 submissions from 2 submitters: Likely benign (2). Last evaluated 2023-08-15.

Conditions:
RYR1-related disorder. Also called: RYR1-related disorders; RYR1-related condition. Identifiers: MedGen CN239331.
Malignant hyperthermia, susceptibility to, 1 (MHS1). Also called: Anesthesia related hyperthermia; Malignant hyperpyrexia; Fulminating hyperpyrexia; Pharmacogenic myopathy; RYR1-Related Malignant Hyperthermia Susceptibility; Malignant hyperthermia suceptibility 1. Identifiers: Orphanet 423, MedGen C2930980, MONDO:0007783, OMIM 145600.

Allele frequency attached by ClinVar (database versions not stated): TOPMed 0.00001.

Submissions (2):

All of Us Research Program, National Institutes of Health
Classification: Likely benign for Malignant hyperthermia, susceptibility to, 1. Last evaluated: 2023-08-15. Review status: criteria provided, single submitter. Criteria: ACMG Guidelines, 2015. Collection method: clinical testing. Allele origin: germline. Inheritance: Autosomal dominant inheritance. Observed: 1 variant allele, 1 heterozygote.
Comment: This study involves interpretation of variants in research participants for the purpose of population health screening. Participant phenotype was not available at the time of variant classification. Additional details can be found in publication PMID: 35346344, PMCID: PMC8962531

Labcorp Genetics (formerly Invitae), Labcorp
Classification: Likely benign for RYR1-related disorder. Last evaluated: 2023-04-24. Review status: criteria provided, single submitter. Criteria: Invitae Variant Classification Sherloc (09022015). Collection method: clinical testing. Allele origin: germline.

NM_000540.3(RYR1):c.8643T>C (p.Asn2881=)

Gene: RYR1 (ryanodine receptor 1; plus strand). Cytogenetic location: 19q13.2.
Variant type: single nucleotide variant.
Coding change: c.8643T>C on transcript NM_000540.3 (MANE Select); coding-DNA position 8643, T replaced by C.
Protein change: p.Asn2881=; no amino-acid change (asparagine 2881 retained).
Molecular consequence: synonymous variant.
Genome position (GRCh38, 1-based): chr19:38,506,497, T>C. VCF-style: chr19-38506497-T-C. GRCh37 (hg19) VCF-style: chr19-38997137-T-C.
Other names: c.8643T>C, p.Asn2881= (NM_001042723.2).
Identifiers: ClinVar variation 2887646 (VCV002887646.4), dbSNP rs1415227073, ClinGen allele CA507245334.